The following is an entry in ClinVar:

ClinVar aggregate classification (germline): Uncertain significance (1 of 4 stars; one submission).

Conditions:
Neuropathy, hereditary motor and sensory, type 6B (HMSN6B). Also called: HMSN VIB; CHARCOT-MARIE-TOOTH DISEASE, TYPE 6B; Neuropathy, hereditary motor and sensory, type VIB; NEUROPATHY, HEREDITARY MOTOR AND SENSORY, TYPE VIB, WITH OPTIC ATROPHY. Identifiers: MedGen C4225302, MONDO:0014671, OMIM 616505.

Allele frequency attached by ClinVar (database versions not stated): gnomAD exomes below 0.00001.
gnomAD v4.1: 1 of 1,584,064 alleles (0.000063%); highest among the groups gnomAD compares: Non-Finnish European, 0.000086%; no homozygotes.

Submission:

Labcorp Genetics (formerly Invitae), Labcorp
Classification: Uncertain significance for Neuropathy, hereditary motor and sensory, type 6B. Last evaluated: 2017-06-02. Review status: criteria provided, single submitter. Criteria: Invitae Variant Classification Sherloc (09022015). Collection method: clinical testing. Allele origin: germline.
Comment: This variant is not present in population databases (ExAC no frequency). In summary, this variant has uncertain impact on SLC25A46 function. The available evidence is currently insufficient to determine its role in disease. Therefore, it has been classified as a Variant of Uncertain Significance. Algorithms developed to predict the effect of missense changes on protein structure and function do not agree on the potential impact of this missense change (SIFT: "Deleterious"; PolyPhen-2: "Benign"; Align-GVGD: "Class C0"). This variant has not been reported in the literature in individuals with an SLC25A46-related disease. This sequence change replaces threonine with isoleucine at codon 45 of the SLC25A46 protein (p.Thr45Ile). The threonine residue is moderately conserved and there is a moderate physicochemical difference between threonine and isoleucine.

NM_138773.4(SLC25A46):c.134C>T (p.Thr45Ile)

Gene: SLC25A46 (solute carrier family 25 member 46; plus strand). Cytogenetic location: 5q22.1.
Variant type: single nucleotide variant.
Coding change: c.134C>T on transcript NM_138773.4 (MANE Select); coding-DNA position 134, C replaced by T.
Protein change: p.Thr45Ile; replaces threonine 45 with isoleucine.
Molecular consequence: missense variant. On other transcripts: non-coding transcript variant (1), intron variant (1).
Genome position (GRCh38, 1-based): chr5:110,739,253, C>T. VCF-style: chr5-110739253-C-T. GRCh37 (hg19) VCF-style: chr5-110074954-C-T.
Other names: c.134C>T, p.Thr45Ile (NM_001303249.3); c.10+1006C>T (NM_001303250.3); short protein forms T45I.
Identifiers: ClinVar variation 475790 (VCV000475790.9), dbSNP rs1554091122, ClinGen allele CA360693218.
Genomic context (GRCh38, chr5:110,739,253, plus strand): 5'-GCGGCGCCTTCCCTGCAAGGTCCTTCAGCACCGGGTCGGACCTGGGCCACTGGGTGACGA[C>T]TCCCCCAGATATCCCCGGCAGCCGCAACCTGCACTGGGGCGAGAAGAGCCCGCCCTACGG-3'
Protein context (NP_620128.1, residues 35-55): TGSDLGHWVT[Thr45Ile]PPDIPGSRNL